The following is an entry in ClinVar:

ClinVar aggregate classification (germline): Uncertain significance. Review status: criteria provided, multiple submitters, no conflicts (2 of 4 stars). 3 submissions from 3 submitters: Uncertain significance (3). Last evaluated 2024-01-01.

Conditions:
Mitochondrial disease. Also called: Mitochondrial disorder; Mitochondrial disorders. Identifiers: Orphanet 68380, MedGen C0751651, MeSH D028361, MONDO:0044970.

Allele frequency attached by ClinVar (database versions not stated): gnomAD 0.00001; ExAC 0.00002; TOPMed 0.00002; gnomAD exomes 0.00003; ESP Exome Variant Server 0.00008.
gnomAD v4.1: 47 of 1,613,648 alleles (0.0029%); highest among the groups gnomAD compares: Non-Finnish European, 0.0036%; no homozygotes.

Submissions (3):

CeGaT Center for Human Genetics Tuebingen
Classification: Uncertain significance. Last evaluated: 2024-01-01. Review status: criteria provided, single submitter. Criteria: CeGaT Center For Human Genetics Tuebingen Variant Classification Criteria Version 2. Collection method: clinical testing. Allele origin: germline. Affected: yes. Observed: 1 variant allele.
Comment: PUS1: PM2

Labcorp Genetics (formerly Invitae), Labcorp
Classification: Uncertain significance. Last evaluated: 2022-03-22. Review status: criteria provided, single submitter. Criteria: Invitae Variant Classification Sherloc (09022015). Collection method: clinical testing. Allele origin: germline.
Comment: This sequence change replaces glutamic acid, which is acidic and polar, with lysine, which is basic and polar, at codon 341 of the PUS1 protein (p.Glu341Lys). This variant is present in population databases (rs142624501, gnomAD 0.006%). This variant has not been reported in the literature in individuals affected with PUS1-related conditions. Algorithms developed to predict the effect of missense changes on protein structure and function are either unavailable or do not agree on the potential impact of this missense change (SIFT: "Deleterious"; PolyPhen-2: "Possibly Damaging"; Align-GVGD: "Class C0"). In summary, the available evidence is currently insufficient to determine the role of this variant in disease. Therefore, it has been classified as a Variant of Uncertain Significance.

Department of Pathology and Laboratory Medicine, Sinai Health System
Classification: Uncertain significance for mitochondrial disease. Last evaluated: 2021-07-30. Review status: criteria provided, single submitter. Criteria: ACMG Guidelines, 2015. Collection method: research. Allele origin: germline.

NM_025215.6(PUS1):c.1021G>A (p.Glu341Lys)

Gene: PUS1 (pseudouridine synthase 1; plus strand). Cytogenetic location: 12q24.33.
Variant type: single nucleotide variant.
Coding change: c.1021G>A on transcript NM_025215.6 (MANE Select); coding-DNA position 1021, G replaced by A.
Protein change: p.Glu341Lys; replaces glutamic acid 341 with lysine.
Molecular consequence: missense variant.
Genome position (GRCh38, 1-based): chr12:131,941,768, G>A. VCF-style: chr12-131941768-G-A. GRCh37 (hg19) VCF-style: chr12-132426313-G-A.
Other names: c.937G>A, p.Glu313Lys (NM_001002019.3, NM_001002020.3); short protein forms E313K, E341K.
Identifiers: ClinVar variation 1364607 (VCV001364607.26), dbSNP rs142624501, ClinGen allele CA6884296.